The following is an entry in ClinVar:

ClinVar aggregate classification (germline): Likely pathogenic. Review status: criteria provided, single submitter (1 of 4 stars). 3 submissions from 3 submitters: Likely pathogenic (1). 2 of the submissions do not count toward it. Last evaluated 2025-05-13.

Conditions:
Senior-Loken syndrome 8 (SLSN8). Identifiers: Orphanet 3156, MedGen C4225376, MONDO:0014579, OMIM 616307.
Asphyxiating thoracic dystrophy 5 (SRTD5). Also called: SHORT-RIB THORACIC DYSPLASIA 5 WITHOUT POLYDACTYLY; SHORT-RIB THORACIC DYSPLASIA 5 WITH OR WITHOUT POLYDACTYLY. Identifiers: Orphanet 474, MedGen C3280598, MONDO:0013717, OMIM 614376.
Jeune thoracic dystrophy. Also called: Jeune syndrome; Infantile thoracic dystrophy; Thoracic pelvic phalangeal dystrophy; Jeune's syndrome; Chondroectodermal dysplasia-like syndrome; Short-rib thoracic dysplasia. Identifiers: Orphanet 474, MedGen C0265275, MONDO:0018770.

Allele frequency attached by ClinVar (database versions not stated): ExAC 0.00001.
gnomAD v4.1: 1 of 1,613,580 alleles (0.000062%); highest among the groups gnomAD compares: South Asian, 0.0011%; no homozygotes.

Submissions (3):

Labcorp Genetics (formerly Invitae), Labcorp
Classification: Likely pathogenic for Senior-Loken syndrome 8; Asphyxiating thoracic dystrophy 5. Last evaluated: 2025-05-13. Review status: criteria provided, single submitter. Criteria: Invitae Variant Classification Sherloc (09022015). Collection method: clinical testing. Allele origin: germline.
Comment: This sequence change replaces cysteine, which is neutral and slightly polar, with tyrosine, which is neutral and polar, at codon 1267 of the WDR19 protein (p.Cys1267Tyr). This variant is present in population databases (rs745603321, gnomAD 0.003%). This missense change has been observed in individual(s) with asphyxiating thoracic dystrophy (PMID: 29068549). In at least one individual the data is consistent with being in trans (on the opposite chromosome) from a pathogenic variant. ClinVar contains an entry for this variant (Variation ID: 446638). Invitae Evidence Modeling of protein sequence and biophysical properties (such as structural, functional, and spatial information, amino acid conservation, physicochemical variation, residue mobility, and thermodynamic stability) indicates that this missense variant is expected to disrupt WDR19 protein function with a positive predictive value of 95%. In summary, the currently available evidence indicates that the variant is pathogenic, but additional data are needed to prove that conclusively. Therefore, this variant has been classified as Likely Pathogenic.

Dan Cohn Lab, University Of California Los Angeles
Classification: Pathogenic for Asphyxiating thoracic dystrophy. Last evaluated: 2017-06-01. Review status: no assertion criteria provided. Collection method: research. Allele origin: maternal. Affected: yes. Not counted in ClinVar's aggregate classification.

University of Washington Center for Mendelian Genomics, University of Washington
Classification: Likely pathogenic for asphyxiating thoracic dystrophy. Review status: no assertion criteria provided. Collection method: research. Allele origin: inherited. Affected: yes. Not counted in ClinVar's aggregate classification.

Literature cited by the submitters: PubMed 29068549 (cited by 3 submitters).

NM_025132.4(WDR19):c.3800G>A (p.Cys1267Tyr)

Gene: WDR19 (WD repeat domain 19; plus strand). Cytogenetic location: 4p14.
Variant type: single nucleotide variant.
Coding change: c.3800G>A on transcript NM_025132.4 (MANE Select); coding-DNA position 3800, G replaced by A.
Protein change: p.Cys1267Tyr; replaces cysteine 1267 with tyrosine.
Molecular consequence: missense variant.
Genome position (GRCh38, 1-based): chr4:39,277,103, G>A. VCF-style: chr4-39277103-G-A. GRCh37 (hg19) VCF-style: chr4-39278723-G-A.
Other names: c.3320G>A, p.Cys1107Tyr (NM_001317924.2); short protein forms C1267Y, C1107Y.
Identifiers: ClinVar variation 446638 (VCV000446638.3), dbSNP rs745603321, ClinGen allele CA2892485.
Genomic context (GRCh38, chr4:39,277,103, plus strand): 5'-AAGAGGCCACGACTCCATGTCCATTCTGCAAATTTCTTCTCCCAGAGTGTGAACTCCTCT[G>A]TCCTGGATGTAAAAACAGTATCCCATATTGCATTGCAACAGTGAGTTCCTTTATAGTAAT-3'
Protein context (NP_079408.3, residues 1257-1277): KFLLPECELL[Cys1267Tyr]PGCKNSIPYC